The following is an entry in ClinVar:

ClinVar aggregate classification (germline): Uncertain significance (1 of 4 stars; one submission).

Allele frequency attached by ClinVar (database versions not stated): gnomAD 0.00001; gnomAD exomes 0.00001; TOPMed 0.00002; ESP Exome Variant Server 0.00008.
gnomAD v4.1: 17 of 1,614,000 alleles (0.0011%); highest among the groups gnomAD compares: East Asian, 0.0067%; no homozygotes.

Submission:

Ambry Genetics
Classification: Uncertain significance. Last evaluated: 2023-07-17. Review status: criteria provided, single submitter. Criteria: Ambry Variant Classification Scheme 2023. Collection method: clinical testing. Allele origin: germline.
Comment: The c.3495-3C>T intronic variant results from a C to T substitution 3 nucleotides upstream from coding exon 31 in the KIF1B gene. This nucleotide position is well conserved in available vertebrate species. In silico splice site analysis predicts that this alteration will not have any significant effect on splicing. The evidence for this gene-disease relationship is limited; therefore, the clinical significance of this alteration is unclear.

NM_001365951.3(KIF1B):c.3633-3C>T

Gene: KIF1B (kinesin family member 1B; plus strand). Cytogenetic location: 1p36.22.
Variant type: single nucleotide variant.
Coding change: c.3633-3C>T on transcript NM_001365951.3 (MANE Select); 3 bases into the intron before coding-DNA position 3633, C replaced by T.
Molecular consequence: intron variant.
Genome position (GRCh38, 1-based): chr1:10,343,229, C>T. VCF-style: chr1-10343229-C-T. GRCh37 (hg19) VCF-style: chr1-10403287-C-T.
Other names: c.3495-3C>T (NM_015074.3); c.3633-3C>T (NM_001365952.1).
Identifiers: ClinVar variation 1731974 (VCV001731974.3), dbSNP rs374846037, ClinGen allele CA17844117.